The following is an entry in ClinVar:

NM_001023570.4(IQCB1):c.1576A>C (p.Ser526Arg)

Gene: IQCB1 (IQ motif containing B1; minus strand). Cytogenetic location: 3q13.33.
Variant type: single nucleotide variant.
Coding change: c.1576A>C on transcript NM_001023570.4 (MANE Select); coding-DNA position 1576, A replaced by C.
Protein change: p.Ser526Arg; replaces serine 526 with arginine.
Molecular consequence: missense variant. On other transcripts: non-coding transcript variant (1).
Genome position (GRCh38, 1-based): chr3:121,770,566, T>G on the plus strand (A>C on the coding strand, the complement: IQCB1 is on the minus strand). VCF-style: chr3-121770566-T-G. GRCh37 (hg19) VCF-style: chr3-121489413-T-G.
Other names: c.1177A>C, p.Ser393Arg (NM_001023571.4); c.1576A>C, p.Ser526Arg (NM_001319107.2); short protein forms S393R, S526R.
Identifiers: ClinVar variation 1358616 (VCV001358616.7), dbSNP rs1390983530, ClinGen allele CA354109307.

ClinVar aggregate classification (germline): Uncertain significance. Review status: criteria provided, multiple submitters, no conflicts (2 of 4 stars). 2 submissions from 2 submitters: Uncertain significance (2). Last evaluated 2022-08-16.

Conditions:
Nephronophthisis. Also called: Juvenile Nephronophthisis. Identifiers: Orphanet 655, MedGen C0687120, MONDO:0019005, HP:0000090.
Senior-Loken syndrome 5 (SLSN5). Identifiers: Orphanet 3156, MedGen C1836517, MONDO:0012225, OMIM 609254.

Allele frequency attached by ClinVar (database versions not stated): gnomAD exomes below 0.00001 and 0.00001; gnomAD 0.00001; TOPMed 0.00002.
gnomAD v4.1: 4 of 1,612,330 alleles (0.00025%); highest among the groups gnomAD compares: African/African-American, 0.0053%; no homozygotes.

Submissions (2):

Labcorp Genetics (formerly Invitae), Labcorp
Classification: Uncertain significance for Nephronophthisis. Last evaluated: 2022-08-16. Review status: criteria provided, single submitter. Criteria: Invitae Variant Classification Sherloc (09022015). Collection method: clinical testing. Allele origin: germline.
Comment: In summary, the available evidence is currently insufficient to determine the role of this variant in disease. Therefore, it has been classified as a Variant of Uncertain Significance. Algorithms developed to predict the effect of missense changes on protein structure and function are either unavailable or do not agree on the potential impact of this missense change (SIFT: "Deleterious"; PolyPhen-2: "Benign"; Align-GVGD: "Class C0"). ClinVar contains an entry for this variant (Variation ID: 1358616). This variant has not been reported in the literature in individuals affected with IQCB1-related conditions. This variant is present in population databases (no rsID available, gnomAD 0.01%). This sequence change replaces serine, which is neutral and polar, with arginine, which is basic and polar, at codon 526 of the IQCB1 protein (p.Ser526Arg).

Fulgent Genetics
Classification: Uncertain significance for Senior-Loken syndrome 5. Last evaluated: 2022-04-07. Review status: criteria provided, single submitter. Criteria: ACMG Guidelines, 2015. Collection method: clinical testing. Allele origin: unknown.